The following is an entry in ClinVar:

NM_001372.4(DNAH9):c.3926T>G (p.Ile1309Ser)

Gene: DNAH9 (dynein axonemal heavy chain 9; plus strand). Cytogenetic location: 17p12.
Variant type: single nucleotide variant.
Coding change: c.3926T>G on transcript NM_001372.4 (MANE Select); coding-DNA position 3926, T replaced by G.
Protein change: p.Ile1309Ser; replaces isoleucine 1309 with serine.
Molecular consequence: missense variant.
Genome position (GRCh38, 1-based): chr17:11,689,748, T>G. VCF-style: chr17-11689748-T-G. GRCh37 (hg19) VCF-style: chr17-11593065-T-G.
Other names: c.3926T>G (NM_001372.3); short protein forms I1309S.
Identifiers: ClinVar variation 1493443 (VCV001493443.7), dbSNP rs139705730, ClinGen allele CA8395570.

ClinVar aggregate classification (germline): Uncertain significance. Review status: criteria provided, multiple submitters, no conflicts (2 of 4 stars). 4 submissions from 4 submitters: Uncertain significance (3). 1 of the submissions does not count toward it. Last evaluated 2024-11-23.

Conditions:
DNAH9-related disorder. Also called: DNAH9-related condition.
Primary ciliary dyskinesia. Also called: Ciliary dyskinesia. Identifiers: Orphanet 244, MedGen C0008780, MONDO:0016575, HP:0012265.

Allele frequency attached by ClinVar (database versions not stated): ESP Exome Variant Server 0.00023; ExAC 0.00026.
gnomAD v4.1: 441 of 1,613,972 alleles (0.027%); highest among the groups gnomAD compares: Admixed American, 0.087%; no homozygotes.

Submissions (4):

Blueprint Genetics
Classification: Uncertain significance. Last evaluated: 2024-11-23. Review status: criteria provided, single submitter. Criteria: ACMG Guidelines, 2015. Collection method: clinical testing. Allele origin: germline.

Molecular Genetics McLendon Clinical Laboratories, University of North Carolina at Chapel Hill
Classification: Uncertain significance for Primary ciliary dyskinesia. Last evaluated: 2022-11-03. Review status: criteria provided, single submitter. Criteria: ACMG Guidelines, 2015. Collection method: clinical testing. Allele origin: germline.

Labcorp Genetics (formerly Invitae), Labcorp
Classification: Uncertain significance. Last evaluated: 2022-08-19. Review status: criteria provided, single submitter. Criteria: Invitae Variant Classification Sherloc (09022015). Collection method: clinical testing. Allele origin: germline.
Comment: This sequence change replaces isoleucine, which is neutral and non-polar, with serine, which is neutral and polar, at codon 1309 of the DNAH9 protein (p.Ile1309Ser). This variant is present in population databases (rs139705730, gnomAD 0.06%). This variant has not been reported in the literature in individuals affected with DNAH9-related conditions. ClinVar contains an entry for this variant (Variation ID: 1493443). Algorithms developed to predict the effect of missense changes on protein structure and function are either unavailable or do not agree on the potential impact of this missense change (SIFT: "Deleterious"; PolyPhen-2: "Benign"; Align-GVGD: "Class C0"). In summary, the available evidence is currently insufficient to determine the role of this variant in disease. Therefore, it has been classified as a Variant of Uncertain Significance.

PreventionGenetics, part of Exact Sciences
Classification: Uncertain significance for DNAH9-related condition. Last evaluated: 2024-01-08. Review status: no assertion criteria provided. Collection method: clinical testing. Allele origin: germline. Not counted in ClinVar's aggregate classification.
Comment: The DNAH9 c.3926T>G variant is predicted to result in the amino acid substitution p.Ile1309Ser. To our knowledge, this variant has not been reported in the literature. This variant is reported in 0.056% of alleles in individuals of Latino descent in gnomAD. At this time, the clinical significance of this variant is uncertain due to the absence of conclusive functional and genetic evidence.